The following is an entry in ClinVar:

ClinVar aggregate classification (germline): Uncertain significance. Review status: criteria provided, multiple submitters, no conflicts (2 of 4 stars). 2 submissions from 2 submitters: Uncertain significance (2). Last evaluated 2022-01-26.

Conditions:
Hereditary cancer-predisposing syndrome. Also called: Hereditary Cancer Syndrome; Tumor predisposition; Neoplastic Syndromes, Hereditary; Hereditary neoplastic syndrome. Identifiers: Orphanet 140162, MedGen C0027672, MeSH D009386, MONDO:0015356.

Submissions (2):

Ambry Genetics
Classification: Uncertain significance for Hereditary cancer-predisposing syndrome. Last evaluated: 2022-01-26. Review status: criteria provided, single submitter. Criteria: Ambry Variant Classification Scheme 2023. Collection method: clinical testing. Allele origin: germline.
Comment: The p.G101R variant (also known as c.301G>A), located in coding exon 3 of the APC gene, results from a G to A substitution at nucleotide position 301. The glycine at codon 101 is replaced by arginine, an amino acid with dissimilar properties. This amino acid position is conserved. In addition, in silico predictors for this gene do not accurately predict pathogenicity. Since supporting evidence is limited at this time, the clinical significance of this alteration remains unclear.

Quest Diagnostics Nichols Institute San Juan Capistrano
Classification: Uncertain significance. Last evaluated: 2020-10-09. Review status: criteria provided, single submitter. Criteria: Quest Diagnostics criteria. Collection method: clinical testing. Allele origin: unknown.

NM_000038.6(APC):c.301G>A (p.Gly101Arg)

Gene: APC (APC regulator of Wnt signaling pathway; plus strand). Cytogenetic location: 5q22.2.
Variant type: single nucleotide variant.
Coding change: c.301G>A on transcript NM_000038.6 (MANE Select); coding-DNA position 301, G replaced by A.
Protein change: p.Gly101Arg; replaces glycine 101 with arginine.
Molecular consequence: missense variant. On other transcripts: 5 prime UTR variant (1).
Genome position (GRCh38, 1-based): chr5:112,767,269, G>A. VCF-style: chr5-112767269-G-A. GRCh37 (hg19) VCF-style: chr5-112102966-G-A.
Other names: c.301G>A, p.Gly101Arg (NM_001127510.3, NM_001354895.2, NM_001354896.2 and 2 more transcripts); c.331G>A, p.Gly111Arg (NM_001127511.3, NM_001354897.2, NM_001354902.2); c.226G>A, p.Gly76Arg (NM_001354898.2, NM_001354904.2); c.124G>A, p.Gly42Arg (NM_001354900.2, NM_001354901.2, NM_001354905.2); c.-735G>A (NM_001354906.2); short protein forms G101R, G111R, G42R, G76R.
Identifiers: ClinVar variation 1330007 (VCV001330007.3), dbSNP rs863225335, ClinGen allele CA16021986.
Genomic context (GRCh38, chr5:112,767,269, plus strand): 5'-AATTTCCCTGGAGTAAAACTGCGGTCAAAAATGTCCCTCCGTTCTTATGGAAGCCGGGAA[G>A]GATCTGTATCAAGCCGTTCTGGAGAGTGCAGTCCTGTTCCTATGGGTTCATTTCCAAGAA-3'
Protein context (NP_000029.2, residues 91-111): MSLRSYGSRE[Gly101Arg]SVSSRSGECS